The following is an entry in ClinVar:

ClinVar aggregate classification (germline): Uncertain significance (1 of 4 stars; one submission).

Conditions:
Progressive myoclonic epilepsy type 3. Also called: KCTD7-Related Progressive Myoclonic Epilepsy; EPILEPSY, PROGRESSIVE MYOCLONIC, 3, WITH OR WITHOUT INTRACELLULAR INCLUSIONS; CEROID LIPOFUSCINOSIS, NEURONAL, 14; EPILEPSY, PROGRESSIVE MYOCLONIC, 3, WITHOUT INTRACELLULAR INCLUSIONS. Identifiers: Orphanet 263516, MedGen C2673257, MONDO:0012721, OMIM 611726.

Allele frequency attached by ClinVar (database versions not stated): gnomAD exomes below 0.00001.
gnomAD v4.1: 1 of 1,613,900 alleles (0.000062%); highest among the groups gnomAD compares: Non-Finnish European, 0.000085%; no homozygotes.

Submission:

Labcorp Genetics (formerly Invitae), Labcorp
Classification: Uncertain significance for Progressive myoclonic epilepsy type 3. Last evaluated: 2021-06-06. Review status: criteria provided, single submitter. Criteria: Invitae Variant Classification Sherloc (09022015). Collection method: clinical testing. Allele origin: germline.
Comment: In summary, the available evidence is currently insufficient to determine the role of this variant in disease. Therefore, it has been classified as a Variant of Uncertain Significance. Algorithms developed to predict the effect of missense changes on protein structure and function (SIFT, PolyPhen-2, Align-GVGD) all suggest that this variant is likely to be disruptive, but these predictions have not been confirmed by published functional studies and their clinical significance is uncertain. This variant has not been reported in the literature in individuals with KCTD7-related conditions. This variant is not present in population databases (ExAC no frequency). This sequence change replaces valine with alanine at codon 53 of the KCTD7 protein (p.Val53Ala). The valine residue is highly conserved and there is a small physicochemical difference between valine and alanine.

NM_153033.5(KCTD7):c.158T>C (p.Val53Ala)

Gene: KCTD7 (potassium channel tetramerization domain containing 7; plus strand). Cytogenetic location: 7q11.21.
Variant type: single nucleotide variant.
Coding change: c.158T>C on transcript NM_153033.5 (MANE Select); coding-DNA position 158, T replaced by C.
Protein change: p.Val53Ala; replaces valine 53 with alanine.
Molecular consequence: missense variant.
Genome position (GRCh38, 1-based): chr7:66,633,288, T>C. VCF-style: chr7-66633288-T-C. GRCh37 (hg19) VCF-style: chr7-66098275-T-C.
Other names: c.158T>C, p.Val53Ala (NM_001167961.2); short protein forms V53A.
Identifiers: ClinVar variation 1470183 (VCV001470183.8), dbSNP rs2116763713, ClinGen allele CA367695462.
Genomic context (GRCh38, chr7:66,633,288, plus strand): 5'-TCTCATTCCCCGTTGCCTGCCTGAGAGCCCTGGTGATTTCTTTCCAGTTTCCTGAGGTTG[T>C]TCCCCTTAACATCGGAGGGGCTCACTTCACTACACGCCTGTCCACACTGCGGTGCTACGA-3'
Protein context (NP_694578.1, residues 43-63): PLLPQEFPEV[Val53Ala]PLNIGGAHFT